The following is an entry in ClinVar:

ClinVar aggregate classification (germline): Likely benign. Review status: criteria provided, multiple submitters, no conflicts (2 of 4 stars). 2 submissions from 2 submitters: Likely benign (2). Last evaluated 2021-11-11.

Conditions:
Vesicoureteral reflux 2 (VUR2). Identifiers: Orphanet 289365, MedGen C1970483, MONDO:0012573, OMIM 610878.

Allele frequency attached by ClinVar (database versions not stated): gnomAD 0.00003 and 0.00004; TOPMed 0.00006; gnomAD exomes 0.00007.
gnomAD v4.1: 109 of 1,613,940 alleles (0.0068%); highest among the groups gnomAD compares: Non-Finnish European, 0.0089%; no homozygotes.

Submissions (2):

Fulgent Genetics
Classification: Likely benign for Vesicoureteral reflux 2. Last evaluated: 2021-11-11. Review status: criteria provided, single submitter. Criteria: ACMG Guidelines, 2015. Collection method: clinical testing. Allele origin: unknown.

GeneDx
Classification: Likely benign. Last evaluated: 2017-04-12. Review status: criteria provided, single submitter. Criteria: GeneDx Variant Classification (06012015). Collection method: clinical testing. Allele origin: germline. Affected: yes.
Comment: This variant is considered likely benign or benign based on one or more of the following criteria: it is a conservative change, it occurs at a poorly conserved position in the protein, it is predicted to be benign by multiple in silico algorithms, and/or has population frequency not consistent with disease.

NM_001395656.1(ROBO2):c.4293T>G (p.Ser1431=)

Gene: ROBO2 (roundabout guidance receptor 2; plus strand). Cytogenetic location: 3p12.3.
Variant type: single nucleotide variant.
Coding change: c.4293T>G on transcript NM_001395656.1 (MANE Select); coding-DNA position 4293, T replaced by G.
Protein change: p.Ser1431=; no amino-acid change (serine 1431 retained).
Molecular consequence: synonymous variant.
Genome position (GRCh38, 1-based): chr3:77,644,777, T>G. VCF-style: chr3-77644777-T-G. GRCh37 (hg19) VCF-style: chr3-77693928-T-G.
Other names: c.4056T>G, p.Ser1352= (NM_001128929.3); c.4020T>G, p.Ser1340= (NM_001290039.2); c.4203T>G, p.Ser1401= (NM_001290040.2, NM_001395657.1); c.2229T>G, p.Ser743= (NM_001290065.2); c.4341T>G, p.Ser1447= (NM_001378190.1); c.4467T>G, p.Ser1489= (NM_001378191.1); c.4362T>G, p.Ser1454= (NM_001378192.1); c.4281T>G, p.Ser1427= (NM_001378193.1); and 11 more.
Identifiers: ClinVar variation 508862 (VCV000508862.3), dbSNP rs758687620, ClinGen allele CA2497824.